The following is an entry in ClinVar:

NM_005236.3(ERCC4):c.152T>G (p.Leu51Arg)

Genes: ERCC4 (ERCC excision repair 4, endonuclease catalytic subunit; plus strand), LOC130058543 (ATAC-STARR-seq lymphoblastoid active region 10486; plus strand). Cytogenetic location: 16p13.12.
Variant type: single nucleotide variant.
Coding change: c.152T>G on transcript NM_005236.3 (MANE Select); coding-DNA position 152, T replaced by G.
Protein change: p.Leu51Arg; replaces leucine 51 with arginine.
Molecular consequence: missense variant.
Genome position (GRCh38, 1-based): chr16:13,920,317, T>G. VCF-style: chr16-13920317-T-G. GRCh37 (hg19) VCF-style: chr16-14014174-T-G.
Other names: short protein forms L51R.
Identifiers: ClinVar variation 2922768 (VCV002922768.3), dbSNP rs2543161374, ClinGen allele CA394816340.
Genomic context (GRCh38, chr16:13,920,317, plus strand): 5'-GGCTAGTAGTGTGCGCCCGCGGGCTCGGCGCGGACCGGCTCCTCTACCACTTTCTCCAGC[T>G]GCACTGCCACCCAGCCTGCCTGGTGCTGGTGCTCAACACGCAGCCGGCCGAGGAGGTGCG-3'
Protein context (NP_005227.1, residues 41-61): ADRLLYHFLQ[Leu51Arg]HCHPACLVLV

ClinVar aggregate classification (germline): Uncertain significance (1 of 4 stars; one submission).

Conditions:
Cockayne syndrome. Identifiers: Orphanet 191, MedGen C0009207, MONDO:0016006.
Fanconi anemia complementation group Q. Identifiers: Orphanet 84, MedGen C3808988, MONDO:0014108, OMIM 615272.
Xeroderma pigmentosum, group F (XPF). Also called: XERODERMA PIGMENTOSUM, COMPLEMENTATION GROUP F; XERODERMA PIGMENTOSUM VI; XP, GROUP F; XERODERMA PIGMENTOSUM, TYPE F; Xeroderma pigmentosum, type 6; ERCC4-Related Xeroderma Pigmentosum. Identifiers: MedGen C0268140, MONDO:0010215, OMIM 278760.

Allele frequency attached by ClinVar (database versions not stated): gnomAD exomes below 0.00001.
gnomAD v4.1: 1 of 1,601,650 alleles (0.000062%); highest among the groups gnomAD compares: Non-Finnish European, 0.000085%; no homozygotes.

Submission:

Labcorp Genetics (formerly Invitae), Labcorp
Classification: Uncertain significance for Fanconi anemia complementation group Q; Xeroderma pigmentosum, group F; Cockayne syndrome. Last evaluated: 2023-01-24. Review status: criteria provided, single submitter. Criteria: Invitae Variant Classification Sherloc (09022015). Collection method: clinical testing. Allele origin: germline.
Comment: In summary, the available evidence is currently insufficient to determine the role of this variant in disease. Therefore, it has been classified as a Variant of Uncertain Significance. Advanced modeling of protein sequence and biophysical properties (such as structural, functional, and spatial information, amino acid conservation, physicochemical variation, residue mobility, and thermodynamic stability) has been performed at Invitae for this missense variant, however the output from this modeling did not meet the statistical confidence thresholds required to predict the impact of this variant on ERCC4 protein function. This variant has not been reported in the literature in individuals affected with ERCC4-related conditions. This variant is not present in population databases (gnomAD no frequency). This sequence change replaces leucine, which is neutral and non-polar, with arginine, which is basic and polar, at codon 51 of the ERCC4 protein (p.Leu51Arg).